The following is an entry in ClinVar:

NM_001145809.2(MYH14):c.5285G>A (p.Arg1762Gln)

Gene: MYH14 (myosin heavy chain 14; plus strand). Cytogenetic location: 19q13.33.
Variant type: single nucleotide variant.
Coding change: c.5285G>A on transcript NM_001145809.2 (MANE Select); coding-DNA position 5285, G replaced by A.
Protein change: p.Arg1762Gln; replaces arginine 1762 with glutamine.
Molecular consequence: missense variant.
Genome position (GRCh38, 1-based): chr19:50,293,261, G>A. VCF-style: chr19-50293261-G-A. GRCh37 (hg19) VCF-style: chr19-50796518-G-A.
Other names: c.5186G>A, p.Arg1729Gln (NM_001077186.2); c.5162G>A, p.Arg1721Gln (NM_024729.4); c.5162G>A (NM_024729.3); short protein forms R1721Q, R1762Q, R1729Q.
Identifiers: ClinVar variation 2973006 (VCV002973006.4), dbSNP rs1483064181, ClinGen allele CA406962898.

ClinVar aggregate classification (germline): Uncertain significance. Review status: criteria provided, multiple submitters, no conflicts (2 of 4 stars). 2 submissions from 2 submitters: Uncertain significance (2). Last evaluated 2025-10-13.

Conditions:
Inborn genetic diseases. Identifiers: MedGen C0950123, MeSH D030342.

Allele frequency attached by ClinVar (database versions not stated): TOPMed 0.00002; gnomAD exomes 0.00001; gnomAD 0.00001.
gnomAD v4.1: 12 of 1,609,356 alleles (0.00075%); highest among the groups gnomAD compares: African/African-American, 0.004%; no homozygotes.

Submissions (2):

Labcorp Genetics (formerly Invitae), Labcorp
Classification: Uncertain significance. Last evaluated: 2025-10-13. Review status: criteria provided, single submitter. Criteria: Invitae Variant Classification Sherloc (09022015). Collection method: clinical testing. Allele origin: germline.
Comment: This sequence change replaces arginine, which is basic and polar, with glutamine, which is neutral and polar, at codon 1721 of the MYH14 protein (p.Arg1721Gln). The frequency data for this variant in the population databases is considered unreliable, as metrics indicate poor data quality at this position in the gnomAD database. This variant has not been reported in the literature in individuals affected with MYH14-related conditions. ClinVar contains an entry for this variant (Variation ID: 2973006). Invitae Evidence Modeling of protein sequence and biophysical properties (such as structural, functional, and spatial information, amino acid conservation, physicochemical variation, residue mobility, and thermodynamic stability) indicates that this missense variant is not expected to disrupt MYH14 protein function with a negative predictive value of 80%. In summary, the available evidence is currently insufficient to determine the role of this variant in disease. Therefore, it has been classified as a Variant of Uncertain Significance.

Ambry Genetics
Classification: Uncertain significance for Inborn genetic diseases. Last evaluated: 2024-03-31. Review status: criteria provided, single submitter. Criteria: Ambry Variant Classification Scheme 2023. Collection method: clinical testing. Allele origin: germline.